The following is an entry in ClinVar:

NM_018671.5(UNC45A):c.2543T>C (p.Met848Thr)

Genes: UNC45A (unc-45 myosin chaperone A; plus strand), RCCD1-AS1 (RCCD1 and UNC45A antisense RNA 1; minus strand). Cytogenetic location: 15q26.1.
Variant type: single nucleotide variant.
Coding change: c.2543T>C on transcript NM_018671.5 (MANE Select); coding-DNA position 2543, T replaced by C.
Protein change: p.Met848Thr; replaces methionine 848 with threonine.
Molecular consequence: missense variant.
Genome position (GRCh38, 1-based): chr15:90,953,276, T>C. VCF-style: chr15-90953276-T-C. GRCh37 (hg19) VCF-style: chr15-91496506-T-C.
Other names: c.2543T>C (NM_018671.3); c.2498T>C, p.Met833Thr (NM_001039675.2, NM_001323621.2); c.2543T>C, p.Met848Thr (NM_001323619.1); c.2108T>C, p.Met703Thr (NM_001323620.2); short protein forms M703T, M848T, M833T.
Identifiers: ClinVar variation 1417841 (VCV001417841.8), dbSNP rs1437594341, ClinGen allele CA393862737.

ClinVar aggregate classification (germline): Uncertain significance. Review status: criteria provided, multiple submitters, no conflicts (2 of 4 stars). 2 submissions from 2 submitters: Uncertain significance (2). Last evaluated 2025-10-22.

Conditions:
Inborn genetic diseases. Identifiers: MedGen C0950123, MeSH D030342.

Allele frequency attached by ClinVar (database versions not stated): gnomAD exomes 0.00001; TOPMed 0.00001; gnomAD 0.00001.
gnomAD v4.1: 13 of 1,612,566 alleles (0.00081%); highest among the groups gnomAD compares: Non-Finnish European, 0.0011%; no homozygotes.

Submissions (2):

Ambry Genetics
Classification: Uncertain significance for Inborn genetic diseases. Last evaluated: 2025-10-22. Review status: criteria provided, single submitter. Criteria: Ambry Variant Classification Scheme 2023. Collection method: clinical testing. Allele origin: germline.

Labcorp Genetics (formerly Invitae), Labcorp
Classification: Uncertain significance. Last evaluated: 2022-08-29. Review status: criteria provided, single submitter. Criteria: Invitae Variant Classification Sherloc (09022015). Collection method: clinical testing. Allele origin: germline.
Comment: This variant has not been reported in the literature in individuals affected with UNC45A-related conditions. ClinVar contains an entry for this variant (Variation ID: 1417841). Algorithms developed to predict the effect of missense changes on protein structure and function are either unavailable or do not agree on the potential impact of this missense change (SIFT: "Not Available"; PolyPhen-2: "Benign"; Align-GVGD: "Not Available"). In summary, the available evidence is currently insufficient to determine the role of this variant in disease. Therefore, it has been classified as a Variant of Uncertain Significance. This variant is present in population databases (no rsID available, gnomAD 0.002%). This sequence change replaces methionine, which is neutral and non-polar, with threonine, which is neutral and polar, at codon 848 of the UNC45A protein (p.Met848Thr).